The following is an entry in ClinVar:

ClinVar aggregate classification (germline): Likely pathogenic (1 of 4 stars; one submission).

Conditions:
Hereditary breast ovarian cancer syndrome. Also called: Hereditary breast and ovarian cancer syndrome; Hereditary breast and ovarian cancer; Hereditary breast and ovarian cancer syndrome (HBOC); Breast and ovarian cancer; Hereditary breast and/or ovarian cancer syndrome; BRCA1- and BRCA2-Associated Hereditary Breast and Ovarian Cancer. Identifiers: Orphanet 145, MedGen C0677776, MeSH D061325, MONDO:0003582. Disease mechanism: loss of function.

Submission:

Labcorp Genetics (formerly Invitae), Labcorp
Classification: Likely pathogenic for Hereditary breast ovarian cancer syndrome. Last evaluated: 2023-11-29. Review status: criteria provided, single submitter. Criteria: Invitae Variant Classification Sherloc (09022015). Collection method: clinical testing. Allele origin: unknown.
Comment: This variant results in the deletion of part of exon 7 (c.518_631+462delins19) of the BRCA2 gene. It is expected to disrupt RNA splicing. Variants that disrupt the donor or acceptor splice site typically lead to a loss of protein function (PMID: 16199547), and loss-of-function variants in BRCA2 are known to be pathogenic (PMID: 20104584). This variant has not been reported in the literature in individuals affected with BRCA2-related conditions. ClinVar contains an entry for this variant (Variation ID: 939372). In summary, the currently available evidence indicates that the variant is pathogenic, but additional data are needed to prove that conclusively. Therefore, this variant has been classified as Likely Pathogenic.

Literature cited by the submitters: PubMed 16199547; PubMed 20104584.

NC_000013.10:g.(?_32900637)_(32901212_?)del

Gene: BRCA2 (BRCA2 DNA repair associated; plus strand). Cytogenetic location: 13q13.1.
Variant type: Deletion.
Identifiers: ClinVar variation 3244179 (VCV003244179.1).